The following is an entry in ClinVar:

ClinVar aggregate classification (germline): Likely benign. Review status: criteria provided, multiple submitters, no conflicts (2 of 4 stars). 5 submissions from 5 submitters: Likely benign (4). 1 of the submissions does not count toward it. Last evaluated 2026-01-24.

Conditions:
Leber congenital amaurosis (LCA). Also called: Leber's amaurosis. Identifiers: Orphanet 65, MedGen C0339527, MeSH D057130, MONDO:0018998.
Meckel syndrome, type 4 (MKS4). Also called: MECKEL-GRUBER SYNDROME, TYPE 4. Identifiers: Orphanet 564, MedGen C1970161, MONDO:0012626, OMIM 611134.
Senior-Loken syndrome 6 (SLSN6). Identifiers: Orphanet 3156, MedGen C1857779, MONDO:0012433, OMIM 610189.
Leber congenital amaurosis 10 (LCA10). Identifiers: Orphanet 65, MedGen C1857821, MONDO:0012723, OMIM 611755.
Joubert syndrome 5 (JBTS5). Identifiers: Orphanet 2318, MedGen C1857780, MONDO:0012432, OMIM 610188.
Bardet-Biedl syndrome 14 (BBS14). Identifiers: Orphanet 110, MedGen C2673874, MONDO:0014442, OMIM 615991.
Nephronophthisis. Also called: Juvenile Nephronophthisis. Identifiers: Orphanet 655, MedGen C0687120, MONDO:0019005, HP:0000090.
Meckel-Gruber syndrome. Also called: Dysencephalia splachnocystica; GRUBER SYNDROME; DYSENCEPHALIA SPLANCHNOCYSTICA. Identifiers: Orphanet 564, MedGen C0265215, MONDO:0018921.
Joubert syndrome. Also called: Familial aplasia of the vermis; JOUBERT-BOLTSHAUSER SYNDROME. Identifiers: Orphanet 475, MedGen C5979921, MONDO:0018772.

Allele frequency attached by ClinVar (database versions not stated): gnomAD exomes 0.00011 and 0.00025; 1000 Genomes Project 30x 0.00078; 1000 Genomes Project 0.00080; ExAC 0.00084; gnomAD 0.00001 and 0.00010; TOPMed 0.00003.
gnomAD v4.1: 160 of 1,438,742 alleles (0.011%); highest among the groups gnomAD compares: South Asian, 0.16%; 1 homozygote.

Submissions (5):

Labcorp Genetics (formerly Invitae), Labcorp
Classification: Likely benign for Joubert syndrome; Meckel-Gruber syndrome; Nephronophthisis. Last evaluated: 2026-01-24. Review status: criteria provided, single submitter. Criteria: Invitae Variant Classification Sherloc (09022015). Collection method: clinical testing. Allele origin: germline.

CeGaT Center for Human Genetics Tuebingen
Classification: Likely benign. Last evaluated: 2024-11-01. Review status: criteria provided, single submitter. Criteria: CeGaT Center For Human Genetics Tuebingen Variant Classification Criteria Version 2. Collection method: clinical testing. Allele origin: germline. Affected: yes. Observed: 1 variant allele.
Comment: CEP290: BP4, BP7

Blueprint Genetics
Classification: Likely benign. Last evaluated: 2024-10-22. Review status: criteria provided, single submitter. Criteria: ACMG Guidelines, 2015. Collection method: clinical testing. Allele origin: germline.

Fulgent Genetics
Classification: Likely benign for Joubert syndrome 5; Senior-Loken syndrome 6; Meckel syndrome, type 4; Leber congenital amaurosis 10; Bardet-Biedl syndrome 14. Last evaluated: 2022-05-17. Review status: criteria provided, single submitter. Criteria: ACMG Guidelines, 2015. Collection method: clinical testing. Allele origin: unknown.

Natera, Inc.
Classification: Uncertain significance for Leber congenital amaurosis. Last evaluated: 2020-03-10. Review status: no assertion criteria provided. Collection method: clinical testing. Allele origin: germline. Not counted in ClinVar's aggregate classification.

NM_025114.4(CEP290):c.834C>T (p.Asn278=)

Gene: CEP290 (centrosomal protein 290; minus strand). Cytogenetic location: 12q21.32.
Variant type: single nucleotide variant.
Coding change: c.834C>T on transcript NM_025114.4 (MANE Select); coding-DNA position 834, C replaced by T.
Protein change: p.Asn278=; no amino-acid change (asparagine 278 retained).
Molecular consequence: synonymous variant.
Genome position (GRCh38, 1-based): chr12:88,129,712, G>A on the plus strand (C>T on the coding strand, the complement: CEP290 is on the minus strand). VCF-style: chr12-88129712-G-A. GRCh37 (hg19) VCF-style: chr12-88523489-G-A.
Identifiers: ClinVar variation 695463 (VCV000695463.28), dbSNP rs567493515, ClinGen allele CA6712696.